The following is an entry in ClinVar:

ClinVar aggregate classification (germline): Benign (1 of 4 stars; one submission).

Conditions:
Lynch syndrome 4 (LYNCH4). Also called: Colorectal cancer, hereditary nonpolyposis, type 4; Hereditary non-polyposis colorectal cancer, type 4. Identifiers: Orphanet 144, MedGen C1838333, MONDO:0013699, OMIM 614337. Disease mechanism: loss of function.

Submission:

Myriad Genetics, Inc.
Classification: Benign for Lynch syndrome 4. Last evaluated: 2025-01-28. Review status: criteria provided, single submitter. Criteria: Myriad Autosomal Dominant, Autosomal Recessive and X-Linked Classification Criteria (2023). Collection method: clinical testing. Allele origin: unknown.
Comment: This variant is considered benign. This variant is a silent/synonymous amino acid change and it is not expected to impact splicing.

NM_000535.7(PMS2):c.834T>C (p.His278=)

Gene: PMS2 (PMS1 homolog 2, mismatch repair system component; minus strand). Cytogenetic location: 7p22.1.
Variant type: single nucleotide variant.
Coding change: c.834T>C on transcript NM_000535.7 (MANE Select); coding-DNA position 834, T replaced by C.
Protein change: p.His278=; no amino-acid change (histidine 278 retained).
Molecular consequence: synonymous variant. On other transcripts: 5 prime UTR variant (2), non-coding transcript variant (1), intron variant (4).
Genome position (GRCh38, 1-based): chr7:5,995,603, A>G on the plus strand (T>C on the coding strand, the complement: PMS2 is on the minus strand). VCF-style: chr7-5995603-A-G. GRCh37 (hg19) VCF-style: chr7-6035234-A-G.
Other names: c.429T>C, p.His143= (NM_001322003.2, NM_001322004.2, NM_001322005.2 and 19 more transcripts); c.834T>C, p.His278= (NM_001322006.2, NM_001322014.2, NM_001406870.1 and 2 more transcripts); c.516T>C, p.His172= (NM_001322007.2, NM_001322008.2, NM_001406876.1 and 4 more transcripts); c.-100T>C (NM_001322011.2, NM_001322012.2); c.261T>C, p.His87= (NM_001322013.2, NM_001406909.1); c.525T>C, p.His175= (NM_001322015.2, NM_001406875.1, NM_001406877.1 and 6 more transcripts); c.1020T>C, p.His340= (NM_001406866.1); c.858T>C, p.His286= (NM_001406868.1); and 8 more.
Identifiers: ClinVar variation 3903531 (VCV003903531.1).